The following is an entry in ClinVar:

ClinVar aggregate classification (germline): Uncertain significance. Review status: criteria provided, multiple submitters, no conflicts (2 of 4 stars). 3 submissions from 3 submitters: Uncertain significance (3). Last evaluated 2024-01-02.

Conditions:
Inborn genetic diseases. Identifiers: MedGen C0950123, MeSH D030342.
Myopathy, distal, 5 (MPD5). Also called: Adenylosuccinate synthetase-like 1-related distal myopathy. Identifiers: Orphanet 482601, MedGen C5567521, MONDO:0014877, OMIM 617030.

Allele frequency attached by ClinVar (database versions not stated): ExAC 0.00012; gnomAD exomes 0.00014 and 0.00036; TOPMed 0.00015; gnomAD 0.00018 and 0.00019; ESP Exome Variant Server 0.00046.
gnomAD v4.1: 573 of 1,613,186 alleles (0.036%); highest among the groups gnomAD compares: Non-Finnish European, 0.044%; 1 homozygote.

Submissions (5):

Labcorp Genetics (formerly Invitae), Labcorp
Classification: Uncertain significance. Last evaluated: 2024-01-02. Review status: criteria provided, single submitter. Criteria: Invitae Variant Classification Sherloc (09022015). Collection method: clinical testing. Allele origin: germline.
Comment: This sequence change replaces arginine, which is basic and polar, with histidine, which is basic and polar, at codon 347 of the ADSSL1 protein (p.Arg347His). This variant is present in population databases (rs375602969, gnomAD 0.03%). This variant has not been reported in the literature in individuals affected with ADSSL1-related conditions. ClinVar contains an entry for this variant (Variation ID: 1681980). An algorithm developed to predict the effect of missense changes on protein structure and function (PolyPhen-2) suggests that this variant is likely to be disruptive. In summary, the available evidence is currently insufficient to determine the role of this variant in disease. Therefore, it has been classified as a Variant of Uncertain Significance.

Ambry Genetics
Classification: Uncertain significance for Inborn genetic diseases. Last evaluated: 2021-10-26. Review status: criteria provided, single submitter. Criteria: Ambry Variant Classification Scheme 2023. Collection method: clinical testing. Allele origin: germline.

Revvity Omics, Revvity
Classification: Uncertain significance for Myopathy, distal, 5. Last evaluated: 2019-11-16. Review status: criteria provided, single submitter. Criteria: ACMG Guidelines, 2015. Collection method: clinical testing. Allele origin: germline.

Dr. Peter K. Rogan Lab, Western University
No classification provided (evidence only). Condition: Clear cell carcinoma of kidney. Review status: no classification provided. Collection method: in vitro. Allele origin: not applicable. Functional consequence: retained intron. Not counted in ClinVar's aggregate classification.

Dr. Peter K. Rogan Lab, Western University
No classification provided (evidence only). Condition: Familial cancer of breast. Review status: no classification provided. Collection method: in vitro. Allele origin: not applicable. Functional consequence: retained intron. Not counted in ClinVar's aggregate classification.

NM_152328.5(ADSS1):c.911G>A (p.Arg304His)

Gene: ADSS1 (adenylosuccinate synthase 1; plus strand). Cytogenetic location: 14q32.33.
Variant type: single nucleotide variant.
Coding change: c.911G>A on transcript NM_152328.5 (MANE Select); coding-DNA position 911, G replaced by A.
Protein change: p.Arg304His; replaces arginine 304 with histidine.
Molecular consequence: missense variant.
Genome position (GRCh38, 1-based): chr14:104,741,965, G>A. VCF-style: chr14-104741965-G-A. GRCh37 (hg19) VCF-style: chr14-105208302-G-A.
Other names: c.1040G>A (NM_199165.1); c.296G>A, p.Arg99His (NM_001320424.1); c.1040G>A, p.Arg347His (NM_199165.2); short protein forms R304H, R347H, R99H.
Identifiers: ClinVar variation 1681980 (VCV001681980.9), dbSNP rs375602969, ClinGen allele CA7373914.
Genomic context (GRCh38, chr14:104,741,965, plus strand): 5'-TGGGCATCCCCCCGCAGAACATAGGTGACGTGTATGGCGTGGTGAAAGCCTATACCACAC[G>A]TGTGGGCATCGGGGCCTTCCCCACCGAGCAGATCAACGTGAGTCCCCAGCCCCTCGGGAC-3'
Protein context (NP_689541.1, residues 294-314): VYGVVKAYTT[Arg304His]VGIGAFPTEQ